The following is an entry in ClinVar:

ClinVar aggregate classification (germline): Likely benign. Review status: criteria provided, single submitter (1 of 4 stars). 2 submissions from 2 submitters: Likely benign (1). 1 of the submissions does not count toward it. Last evaluated 2023-09-22.

Conditions:
DIS3L2-related disorder. Also called: DIS3L2-related condition.
Perlman syndrome (PRLMNS). Identifiers: Orphanet 2849, MedGen C0796113, MONDO:0009965, OMIM 267000.

Allele frequency attached by ClinVar (database versions not stated): gnomAD exomes below 0.00001; TOPMed below 0.00001; gnomAD 0.00001.
gnomAD v4.1: 13 of 1,597,730 alleles (0.00081%); highest among the groups gnomAD compares: Non-Finnish European, 0.00085%; no homozygotes.

Submissions (2):

Labcorp Genetics (formerly Invitae), Labcorp
Classification: Likely benign for Perlman syndrome. Last evaluated: 2023-09-22. Review status: criteria provided, single submitter. Criteria: Invitae Variant Classification Sherloc (09022015). Collection method: clinical testing. Allele origin: germline.

PreventionGenetics, part of Exact Sciences
Classification: Likely benign for DIS3L2-related condition. Last evaluated: 2023-06-30. Review status: no assertion criteria provided. Collection method: clinical testing. Allele origin: germline. Not counted in ClinVar's aggregate classification.
Comment: This variant is classified as likely benign based on ACMG/AMP sequence variant interpretation guidelines (Richards et al. 2015 PMID: 25741868, with internal and published modifications).

NM_152383.5(DIS3L2):c.2394+8C>T

Gene: DIS3L2 (DIS3 like 3'-5' exoribonuclease 2; plus strand). Cytogenetic location: 2q37.1.
Variant type: single nucleotide variant.
Coding change: c.2394+8C>T on transcript NM_152383.5 (MANE Select); 8 bases into the intron after coding-DNA position 2394, C replaced by T.
Molecular consequence: intron variant.
Genome position (GRCh38, 1-based): chr2:232,334,743, C>T. VCF-style: chr2-232334743-C-T. GRCh37 (hg19) VCF-style: chr2-233199453-C-T.
Other names: c.1582-8602C>T (NM_001257281.2); c.2394+8C>T (NM_152383.4).
Identifiers: ClinVar variation 1148545 (VCV001148545.11), dbSNP rs1256421325, ClinGen allele CA539982730.